The following is an entry in ClinVar:

ClinVar aggregate classification (germline): Uncertain significance. Review status: criteria provided, multiple submitters, no conflicts (2 of 4 stars). 2 submissions from 2 submitters: Uncertain significance (2). Last evaluated 2025-09-24.

Conditions:
Inborn genetic diseases. Identifiers: MedGen C0950123, MeSH D030342.
Developmental and epileptic encephalopathy, 37 (DEE37). Also called: Epileptic encephalopathy, early infantile, 37. Identifiers: MedGen C4310770, MONDO:0014859, OMIM 616981.

Allele frequency attached by ClinVar (database versions not stated): TOPMed below 0.00001; gnomAD exomes 0.00001 and 0.00003.

Submissions (2):

Labcorp Genetics (formerly Invitae), Labcorp
Classification: Uncertain significance for Developmental and epileptic encephalopathy, 37. Last evaluated: 2025-09-24. Review status: criteria provided, single submitter. Criteria: Invitae Variant Classification Sherloc (09022015). Collection method: clinical testing. Allele origin: germline.
Comment: This sequence change replaces aspartic acid, which is acidic and polar, with glycine, which is neutral and non-polar, at codon 141 of the FRRS1L protein (p.Asp141Gly). This variant is present in population databases (no rsID available, gnomAD 0.002%). This variant has not been reported in the literature in individuals affected with FRRS1L-related conditions. ClinVar contains an entry for this variant (Variation ID: 1373996). An algorithm developed to predict the effect of missense changes on protein structure and function (PolyPhen-2) suggests that this variant is likely to be tolerated. Algorithms developed to predict the effect of sequence changes on RNA splicing suggest that this variant may disrupt the consensus splice site. In summary, the available evidence is currently insufficient to determine the role of this variant in disease. Therefore, it has been classified as a Variant of Uncertain Significance.

Ambry Genetics
Classification: Uncertain significance for Inborn genetic diseases. Last evaluated: 2025-08-27. Review status: criteria provided, single submitter. Criteria: Ambry Variant Classification Scheme 2023. Collection method: clinical testing. Allele origin: germline.

NM_014334.4(FRRS1L):c.269A>G (p.Asp90Gly)

Gene: FRRS1L (ferric chelate reductase 1 like; minus strand). Cytogenetic location: 9q31.3.
Variant type: single nucleotide variant.
Coding change: c.269A>G on transcript NM_014334.4 (MANE Select); coding-DNA position 269, A replaced by G.
Protein change: p.Asp90Gly; replaces aspartic acid 90 with glycine.
Molecular consequence: missense variant.
Genome position (GRCh38, 1-based): chr9:109,149,690, T>C on the plus strand (A>G on the coding strand, the complement: FRRS1L is on the minus strand). VCF-style: chr9-109149690-T-C. GRCh37 (hg19) VCF-style: chr9-111911970-T-C.
Other names: c.422A>G (NM_014334.2); short protein forms D90G.
Identifiers: ClinVar variation 1373996 (VCV001373996.8), dbSNP rs959347221, ClinGen allele CA197570173.
Genomic context (GRCh38, chr9:109,149,690, plus strand): 5'-ACCAACCTAAAGCATCCCTTAGTTTTTCCACAGTCGTCCACTTTGATTTTGGCAAATGGA[T>C]CCACAGGAGGAGCAGTAGGGAAGGGGTAACCTGGGCAGTGAGAATAAAGAAGGGTTAGAA-3'
Protein context (NP_055149.3, residues 80-100): GYPFPTAPPV[Asp90Gly]PFAKIKVDDC